The following is an entry in ClinVar:

NM_005751.5(AKAP9):c.11230G>C (p.Gly3744Arg)

Gene: AKAP9 (A-kinase anchoring protein 9; plus strand). Cytogenetic location: 7q21.2.
Variant type: single nucleotide variant.
Coding change: c.11230G>C on transcript NM_005751.5 (MANE Select); coding-DNA position 11230, G replaced by C.
Protein change: p.Gly3744Arg; replaces glycine 3744 with arginine.
Molecular consequence: missense variant.
Genome position (GRCh38, 1-based): chr7:92,102,726, G>C. VCF-style: chr7-92102726-G-C. GRCh37 (hg19) VCF-style: chr7-91732040-G-C.
Other names: c.11230G>C (NM_005751.4); c.5875G>C, p.Gly1959Arg (NM_001379277.1); c.11206G>C, p.Gly3736Arg (NM_147185.3); short protein forms G1959R, G3736R, G3744R.
Identifiers: ClinVar variation 1428948 (VCV001428948.9), dbSNP rs200327385, ClinGen allele CA4338117.

ClinVar aggregate classification (germline): Uncertain significance. Review status: criteria provided, multiple submitters, no conflicts (2 of 4 stars). 2 submissions from 2 submitters: Uncertain significance (2). Last evaluated 2025-07-02.

Conditions:
Cardiovascular phenotype. Identifiers: MedGen CN230736.
Long QT syndrome (LQTS). Identifiers: MedGen C0023976, MeSH D008133, MONDO:0002442. Disease mechanism: loss of function. Inheritance: Various modes of inheritance.

gnomAD v4.1: 25 of 1,614,082 alleles (0.0015%); highest among the groups gnomAD compares: East Asian, 0.0022%; no homozygotes.

Submissions (2):

Labcorp Genetics (formerly Invitae), Labcorp
Classification: Uncertain significance for Long QT syndrome. Last evaluated: 2025-07-02. Review status: criteria provided, single submitter. Criteria: Invitae Variant Classification Sherloc (09022015). Collection method: clinical testing. Allele origin: germline.
Comment: This sequence change replaces glycine, which is neutral and non-polar, with arginine, which is basic and polar, at codon 3744 of the AKAP9 protein (p.Gly3744Arg). This variant is present in population databases (rs200327385, gnomAD 0.002%). This variant has not been reported in the literature in individuals affected with AKAP9-related conditions. ClinVar contains an entry for this variant (Variation ID: 1428948). An algorithm developed to predict the effect of missense changes on protein structure and function (PolyPhen-2) suggests that this variant is likely to be disruptive. In summary, the available evidence is currently insufficient to determine the role of this variant in disease. Therefore, it has been classified as a Variant of Uncertain Significance.

Ambry Genetics
Classification: Uncertain significance for Cardiovascular phenotype. Last evaluated: 2023-04-27. Review status: criteria provided, single submitter. Criteria: Ambry Variant Classification Scheme 2023. Collection method: clinical testing. Allele origin: germline.
Comment: The p.G3744R variant (also known as c.11230G>C), located in coding exon 46 of the AKAP9 gene, results from a G to C substitution at nucleotide position 11230. The glycine at codon 3744 is replaced by arginine, an amino acid with dissimilar properties. This amino acid position is well conserved in available vertebrate species. In addition, the in silico prediction for this alteration is inconclusive. The evidence for this gene-disease relationship is limited; therefore, the clinical significance of this alteration is unclear.